The following is an entry in ClinVar:

NM_001184.4(ATR):c.1467G>A (p.Met489Ile)

Gene: ATR (ATR checkpoint kinase; minus strand). Cytogenetic location: 3q23.
Variant type: single nucleotide variant.
Coding change: c.1467G>A on transcript NM_001184.4 (MANE Select); coding-DNA position 1467, G replaced by A.
Protein change: p.Met489Ile; replaces methionine 489 with isoleucine.
Molecular consequence: missense variant. On other transcripts: intron variant (1).
Genome position (GRCh38, 1-based): chr3:142,560,337, C>T on the plus strand (G>A on the coding strand, the complement: ATR is on the minus strand). VCF-style: chr3-142560337-C-T. GRCh37 (hg19) VCF-style: chr3-142279179-C-T.
Other names: c.1350-896G>A (NM_001354579.2); short protein forms M489I.
Identifiers: ClinVar variation 1518859 (VCV001518859.8), dbSNP rs772626702, ClinGen allele CA2650590.

ClinVar aggregate classification (germline): Uncertain significance (1 of 4 stars; one submission).

Allele frequency attached by ClinVar (database versions not stated): gnomAD exomes below 0.00001; ExAC 0.00001.
gnomAD v4.1: 2 of 1,613,906 alleles (0.00012%); highest among the groups gnomAD compares: African/African-American, 0.0013%; no homozygotes.

Submission:

Labcorp Genetics (formerly Invitae), Labcorp
Classification: Uncertain significance. Last evaluated: 2022-04-12. Review status: criteria provided, single submitter. Criteria: Invitae Variant Classification Sherloc (09022015). Collection method: clinical testing. Allele origin: germline.
Comment: This variant has not been reported in the literature in individuals affected with ATR-related conditions. Algorithms developed to predict the effect of missense changes on protein structure and function output the following: SIFT: "Tolerated"; PolyPhen-2: "Benign"; Align-GVGD: "Class C0". The isoleucine amino acid residue is found in multiple mammalian species, which suggests that this missense change does not adversely affect protein function. In summary, the available evidence is currently insufficient to determine the role of this variant in disease. Therefore, it has been classified as a Variant of Uncertain Significance. This variant is present in population databases (rs772626702, gnomAD 0.007%). This sequence change replaces methionine, which is neutral and non-polar, with isoleucine, which is neutral and non-polar, at codon 489 of the ATR protein (p.Met489Ile).